The following is an entry in ClinVar:

NM_004304.5(ALK):c.1005T>C (p.Ser335=)

Gene: ALK (ALK receptor tyrosine kinase; minus strand). Cytogenetic location: 2p23.2.
Variant type: single nucleotide variant.
Coding change: c.1005T>C on transcript NM_004304.5 (MANE Select); coding-DNA position 1005, T replaced by C.
Protein change: p.Ser335=; no amino-acid change (serine 335 retained).
Molecular consequence: synonymous variant.
Genome position (GRCh38, 1-based): chr2:29,532,064, A>G on the plus strand (T>C on the coding strand, the complement: ALK is on the minus strand). VCF-style: chr2-29532064-A-G. GRCh37 (hg19) VCF-style: chr2-29754930-A-G.
Identifiers: ClinVar variation 4085681 (VCV004085681.8).

ClinVar aggregate classification (germline): Likely benign (1 of 4 stars; one submission).

Submission:

CeGaT Center for Human Genetics Tuebingen
Classification: Likely benign. Last evaluated: 2025-08-01. Review status: criteria provided, single submitter. Criteria: CeGaT Center For Human Genetics Tuebingen Variant Classification Criteria Version 2. Collection method: clinical testing. Allele origin: germline. Affected: yes. Observed: 1 variant allele.
Comment: ALK: PM2:Supporting, BP4, BP7